The following is an entry in ClinVar:

ClinVar aggregate classification (germline): Uncertain significance (1 of 4 stars; one submission).

Submission:

Labcorp Genetics (formerly Invitae), Labcorp
Classification: Uncertain significance. Last evaluated: 2023-07-14. Review status: criteria provided, single submitter. Criteria: Invitae Variant Classification Sherloc (09022015). Collection method: clinical testing. Allele origin: germline.
Comment: In summary, the available evidence is currently insufficient to determine the role of this variant in disease. Therefore, it has been classified as a Variant of Uncertain Significance. Advanced modeling of protein sequence and biophysical properties (such as structural, functional, and spatial information, amino acid conservation, physicochemical variation, residue mobility, and thermodynamic stability) performed at Invitae indicates that this missense variant is expected to disrupt CAPN5 protein function. ClinVar contains an entry for this variant (Variation ID: 1429009). This variant has not been reported in the literature in individuals affected with CAPN5-related conditions. This variant is not present in population databases (gnomAD no frequency). This sequence change replaces aspartic acid, which is acidic and polar, with glycine, which is neutral and non-polar, at codon 320 of the CAPN5 protein (p.Asp320Gly).

NM_004055.5(CAPN5):c.959A>G (p.Asp320Gly)

Gene: CAPN5 (calpain 5; plus strand). Cytogenetic location: 11q13.5.
Variant type: single nucleotide variant.
Coding change: c.959A>G on transcript NM_004055.5 (MANE Select); coding-DNA position 959, A replaced by G.
Protein change: p.Asp320Gly; replaces aspartic acid 320 with glycine.
Molecular consequence: missense variant.
Genome position (GRCh38, 1-based): chr11:77,116,291, A>G. VCF-style: chr11-77116291-A-G. GRCh37 (hg19) VCF-style: chr11-76827337-A-G.
Other names: short protein forms D320G.
Identifiers: ClinVar variation 1429009 (VCV001429009.8), dbSNP rs2135480794, ClinGen allele CA381939956.